The following is an entry in ClinVar:

ClinVar aggregate classification (germline): Uncertain significance (1 of 4 stars; one submission).

Conditions:
Hereditary hemorrhagic telangiectasia (HHT). Also called: Osler hemorrhagic telangiectasia syndrome; ORW DISEASE; Osler Weber Rendu syndrome; OSLER-RENDU-WEBER DISEASE. Identifiers: Orphanet 774, MedGen C0039445, MONDO:0019180. Disease mechanism: loss of function.

Submission:

Labcorp Genetics (formerly Invitae), Labcorp
Classification: Uncertain significance for Hereditary hemorrhagic telangiectasia. Last evaluated: 2023-08-04. Review status: criteria provided, single submitter. Criteria: Invitae Variant Classification Sherloc (09022015). Collection method: clinical testing. Allele origin: germline.
Comment: ClinVar contains an entry for this variant (Variation ID: 1015299). This variant has not been reported in the literature in individuals affected with ENG-related conditions. This variant is not present in population databases (gnomAD no frequency). This sequence change replaces glycine, which is neutral and non-polar, with glutamic acid, which is acidic and polar, at codon 177 of the ENG protein (p.Gly177Glu). Advanced modeling of protein sequence and biophysical properties (such as structural, functional, and spatial information, amino acid conservation, physicochemical variation, residue mobility, and thermodynamic stability) performed at Invitae indicates that this missense variant is not expected to disrupt ENG protein function. In summary, the available evidence is currently insufficient to determine the role of this variant in disease. Therefore, it has been classified as a Variant of Uncertain Significance. Algorithms developed to predict the effect of sequence changes on RNA splicing suggest that this variant may create or strengthen a splice site.

NM_001114753.3(ENG):c.530G>A (p.Gly177Glu)

Gene: ENG (endoglin; minus strand). Cytogenetic location: 9q34.11.
Variant type: single nucleotide variant.
Coding change: c.530G>A on transcript NM_001114753.3 (MANE Select); coding-DNA position 530, G replaced by A.
Protein change: p.Gly177Glu; replaces glycine 177 with glutamic acid.
Molecular consequence: missense variant. On other transcripts: 5 prime UTR variant (1).
Genome position (GRCh38, 1-based): chr9:127,825,854, C>T on the plus strand (G>A on the coding strand, the complement: ENG is on the minus strand). VCF-style: chr9-127825854-C-T. GRCh37 (hg19) VCF-style: chr9-130588133-C-T.
Other names: c.530G>A, p.Gly177Glu (NM_000118.4, NM_001406715.1); c.-17G>A (NM_001278138.2); short protein forms G177E.
Identifiers: ClinVar variation 1015299 (VCV001015299.10), dbSNP rs1830603623, ClinGen allele CA374983795.
Genomic context (GRCh38, chr9:127,825,854, plus strand): 5'-CGCCACTCGAGCGTGCGGCCCATGTCCTGGCTGGCTTCCAGCATGCAGAAGGACAGTGAC[C>T]CCTGGGCTGCAGAGACACGCGCACCTCAGTCCCTTCCCTCAGCAGCCCTGCACCTAACAG-3'
Protein context (NP_001108225.1, residues 167-187): SILLRLGQAQ[Gly177Glu]SLSFCMLEAS